The following is an entry in ClinVar:

NM_182919.4(TICAM1):c.1632G>C (p.Gln544His)

Gene: TICAM1 (TIR domain containing adaptor molecule 1; minus strand). Cytogenetic location: 19p13.3.
Variant type: single nucleotide variant.
Coding change: c.1632G>C on transcript NM_182919.4 (MANE Select); coding-DNA position 1632, G replaced by C.
Protein change: p.Gln544His; replaces glutamine 544 with histidine.
Molecular consequence: missense variant.
Genome position (GRCh38, 1-based): chr19:4,816,746, C>G on the plus strand (G>C on the coding strand, the complement: TICAM1 is on the minus strand). VCF-style: chr19-4816746-C-G. GRCh37 (hg19) VCF-style: chr19-4816758-C-G.
Other names: c.1632G>C (NM_182919.2); c.1590G>C, p.Gln530His (NM_001385678.1); c.1497G>C, p.Gln499His (NM_001385679.1); c.990G>C, p.Gln330His (NM_001385680.1); short protein forms Q544H, Q330H, Q499H, Q530H.
Identifiers: ClinVar variation 660258 (VCV000660258.7), dbSNP rs1284363590, ClinGen allele CA403489163.

ClinVar aggregate classification (germline): Uncertain significance. Review status: criteria provided, multiple submitters, no conflicts (2 of 4 stars). 2 submissions from 2 submitters: Uncertain significance (2). Last evaluated 2024-08-20.

Conditions:
Encephalopathy, acute, infection-induced (herpes-specific), susceptibility to, 6. Also called: Herpes simplex encephalitis, susceptibility to, 4. Identifiers: Orphanet 1930, MedGen C3553869, MONDO:0013921, OMIM 614850.

Allele frequency attached by ClinVar (database versions not stated): TOPMed 0.00003.
gnomAD v4.1: 9 of 1,613,686 alleles (0.00056%); highest among the groups gnomAD compares: Admixed American, 0.015%; no homozygotes.

Submissions (2):

Ambry Genetics
Classification: Uncertain significance. Last evaluated: 2024-08-20. Review status: criteria provided, single submitter. Criteria: Ambry Variant Classification Scheme 2023. Collection method: clinical testing. Allele origin: germline.

Labcorp Genetics (formerly Invitae), Labcorp
Classification: Uncertain significance for Encephalopathy, acute, infection-induced (herpes-specific), susceptibility to, 6. Last evaluated: 2021-08-31. Review status: criteria provided, single submitter. Criteria: Invitae Variant Classification Sherloc (09022015). Collection method: clinical testing. Allele origin: germline.
Comment: This sequence change replaces glutamine with histidine at codon 544 of the TICAM1 protein (p.Gln544His). The glutamine residue is highly conserved and there is a small physicochemical difference between glutamine and histidine. This variant is not present in population databases (ExAC no frequency). This variant has not been reported in the literature in individuals affected with TICAM1-related conditions. Algorithms developed to predict the effect of missense changes on protein structure and function are either unavailable or do not agree on the potential impact of this missense change (SIFT: "Deleterious"; PolyPhen-2: "Probably Damaging"; Align-GVGD: "Class C15"). In summary, the available evidence is currently insufficient to determine the role of this variant in disease. Therefore, it has been classified as a Variant of Uncertain Significance.